The following is an entry in ClinVar:

NM_001142800.2(EYS):c.1599+2T>A

Gene: EYS (EGF-like photoreceptor maintenance factor; minus strand). Cytogenetic location: 6q12.
Variant type: single nucleotide variant.
Coding change: c.1599+2T>A on transcript NM_001142800.2 (MANE Select); the canonical splice donor site of the intron after coding-DNA position 1599, T replaced by A.
Molecular consequence: splice donor variant.
Genome position (GRCh38, 1-based): chr6:65,344,036, A>T on the plus strand (T>A on the coding strand, the complement: EYS is on the minus strand). VCF-style: chr6-65344036-A-T. GRCh37 (hg19) VCF-style: chr6-66053929-A-T.
Other names: c.1599+2T>A (NM_001292009.2, NM_001142801.2, NM_198283.2 and 1 more transcripts).
Identifiers: ClinVar variation 2817345 (VCV002817345.6), dbSNP rs2533169119, ClinGen allele CA364661283.
Genomic context (GRCh38, chr6:65,344,036, plus strand): 5'-AAAAATCAGACAATTACAAGCTAAAGAGAAAAATGAAAAGCAACTACATAAAATTACCTT[A>T]CCTCTTTTGTGCCTTCATGTGGGAACCAACATGAAGAATTATTATCTTCAGGATCGTTCA-3'

ClinVar aggregate classification (germline): Likely pathogenic. Review status: criteria provided, multiple submitters, no conflicts (2 of 4 stars). 3 submissions from 3 submitters: Likely pathogenic (3). Last evaluated 2026-05-22.

Conditions:
EYS-related disorder. Also called: EYS-related condition.
Retinitis pigmentosa 25 (RP25). Identifiers: Orphanet 791, MedGen C1864446, MONDO:0011272, OMIM 602772.

Submissions (3):

PreventionGenetics, part of Exact Sciences
Classification: Likely pathogenic for EYS-related condition. Last evaluated: 2026-05-22. Review status: criteria provided, single submitter. Criteria: ACMG Guidelines, 2015. Collection method: clinical testing. Allele origin: germline.
Comment: The EYS c.1599+2T>A variant is predicted to disrupt the GT donor site and interfere with normal splicing. To our knowledge, this variant has not been previously reported in the literature in association with disease. This variant has not been reported in a large population database (gnomAD), indicating this variant is rare. Variants that disrupt the consensus splice donor site in EYS are expected to be pathogenic. This variant is interpreted as likely pathogenic.

Natera, Inc.
Classification: Likely pathogenic for Retinitis pigmentosa type 25. Last evaluated: 2025-10-09. Review status: criteria provided, single submitter. Criteria: Natera Variant Classification Schema (03/2026). Collection method: clinical testing. Allele origin: germline.
Comment: The c.1599+2T>A variant in EYS is a canonical splice donor site variant predicted to affect pre-mRNA splicing, which may result in an abnormal transcript and altered protein product. This variant is expected to result in nonsense mediated decay, truncation, or a dysfunctional protein product. This variant is rare in the general population with a frequency below the threshold expected for the associated phenotype(s). Given the available evidence, this variant is classified as Likely Pathogenic.

Labcorp Genetics (formerly Invitae), Labcorp
Classification: Likely pathogenic. Last evaluated: 2022-11-29. Review status: criteria provided, single submitter. Criteria: Invitae Variant Classification Sherloc (09022015). Collection method: clinical testing. Allele origin: germline.
Comment: In summary, the currently available evidence indicates that the variant is pathogenic, but additional data are needed to prove that conclusively. Therefore, this variant has been classified as Likely Pathogenic. Algorithms developed to predict the effect of sequence changes on RNA splicing suggest that this variant may disrupt the consensus splice site. This variant has not been reported in the literature in individuals affected with EYS-related conditions. This variant is not present in population databases (gnomAD no frequency). This sequence change affects a donor splice site in intron 10 of the EYS gene. It is expected to disrupt RNA splicing. Variants that disrupt the donor or acceptor splice site typically lead to a loss of protein function (PMID: 16199547), and loss-of-function variants in EYS are known to be pathogenic (PMID: 18836446, 20333770).

Literature cited by the submitters: PubMed 16199547 (cited by Labcorp Genetics (formerly Invitae), Labcorp); PubMed 18836446 (cited by Labcorp Genetics (formerly Invitae), Labcorp); PubMed 20333770 (cited by Labcorp Genetics (formerly Invitae), Labcorp).